The following is an entry in ClinVar:

ClinVar aggregate classification (germline): Uncertain significance. Review status: criteria provided, multiple submitters, no conflicts (2 of 4 stars). 2 submissions from 2 submitters: Uncertain significance (2). Last evaluated 2025-12-29.

Conditions:
Malignant hyperthermia, susceptibility to, 5 (MHS5). Also called: CACNA1S-Related Malignant Hyperthermia Susceptibility. Identifiers: Orphanet 423, MedGen C1866077, MONDO:0011163, OMIM 601887.
Hypokalemic periodic paralysis, type 1. Also called: Hypokalemic Periodic Paralysis Type 1 (AD); HypoPP. Identifiers: Orphanet 681, MedGen C3714580, MONDO:0042979, OMIM 170400.

Submissions (2):

Labcorp Genetics (formerly Invitae), Labcorp
Classification: Uncertain significance for Hypokalemic periodic paralysis, type 1; Malignant hyperthermia, susceptibility to, 5. Last evaluated: 2025-12-29. Review status: criteria provided, single submitter. Criteria: Invitae Variant Classification Sherloc (09022015). Collection method: clinical testing. Allele origin: germline.
Comment: This sequence change replaces proline, which is neutral and non-polar, with leucine, which is neutral and non-polar, at codon 1737 of the CACNA1S protein (p.Pro1737Leu). This variant is not present in population databases (gnomAD no frequency). This variant has not been reported in the literature in individuals affected with CACNA1S-related conditions. Invitae Evidence Modeling of protein sequence and biophysical properties (such as structural, functional, and spatial information, amino acid conservation, physicochemical variation, residue mobility, and thermodynamic stability) indicates that this missense variant is not expected to disrupt CACNA1S protein function with a negative predictive value of 95%. In summary, the available evidence is currently insufficient to determine the role of this variant in disease. Therefore, it has been classified as a Variant of Uncertain Significance.

Color Diagnostics, LLC DBA Color Health
Classification: Uncertain significance for Malignant hyperthermia, susceptibility to, 5. Last evaluated: 2025-06-09. Review status: criteria provided, single submitter. Criteria: ACMG Guidelines, 2015. Collection method: clinical testing. Allele origin: germline.
Comment: This missense variant replaces proline with leucine at codon 1737 of the CACNA1S protein. Computational prediction suggests that this variant may not impact protein structure and function. To our knowledge, functional studies have not been reported for this variant. This variant has not been reported in individuals affected with CACNA1S-related disorders in the literature. This variant has not been identified in the general population by the Genome Aggregation Database (gnomAD). The available evidence is insufficient to determine the role of this variant in disease conclusively. Therefore, this variant is classified as a Variant of Uncertain Significance.

NM_000069.3(CACNA1S):c.5210C>T (p.Pro1737Leu)

Gene: CACNA1S (calcium voltage-gated channel subunit alpha1 S; minus strand). Cytogenetic location: 1q32.1.
Variant type: single nucleotide variant.
Coding change: c.5210C>T on transcript NM_000069.3 (MANE Select); coding-DNA position 5210, C replaced by T.
Protein change: p.Pro1737Leu; replaces proline 1737 with leucine.
Molecular consequence: missense variant.
Genome position (GRCh38, 1-based): chr1:201,040,638, G>A on the plus strand (C>T on the coding strand, the complement: CACNA1S is on the minus strand). VCF-style: chr1-201040638-G-A. GRCh37 (hg19) VCF-style: chr1-201009766-G-A.
Other names: short protein forms P1737L.
Identifiers: ClinVar variation 4757140 (VCV004757140.2).